The following is an entry in ClinVar:

ClinVar aggregate classification (germline): Uncertain significance (1 of 4 stars; one submission).

Conditions:
Inborn genetic diseases. Identifiers: MedGen C0950123, MeSH D030342.

gnomAD v4.1: 4 of 1,613,904 alleles (0.00025%); highest among the groups gnomAD compares: Non-Finnish European, 0.00034%; no homozygotes.

Submission:

Ambry Genetics
Classification: Uncertain significance for Inborn genetic diseases. Last evaluated: 2025-01-15. Review status: criteria provided, single submitter. Criteria: Ambry Variant Classification Scheme 2023. Collection method: clinical testing. Allele origin: germline.
Comment: The p.R235G variant (also known as c.703C>G), located in coding exon 6 of the HAX1 gene, results from a C to G substitution at nucleotide position 703. The arginine at codon 235 is replaced by glycine, an amino acid with dissimilar properties. This amino acid position is conserved. In addition, this alteration is predicted to be tolerated by in silico analysis. Based on the available evidence, the clinical significance of this variant remains unclear.

NM_006118.4(HAX1):c.703C>G (p.Arg235Gly)

Gene: HAX1 (HCLS1 associated protein X-1; plus strand). Cytogenetic location: 1q21.3.
Variant type: single nucleotide variant.
Coding change: c.703C>G on transcript NM_006118.4 (MANE Select); coding-DNA position 703, C replaced by G.
Protein change: p.Arg235Gly; replaces arginine 235 with glycine.
Molecular consequence: missense variant.
Genome position (GRCh38, 1-based): chr1:154,275,432, C>G. VCF-style: chr1-154275432-C-G. GRCh37 (hg19) VCF-style: chr1-154247908-C-G.
Other names: c.559C>G, p.Arg187Gly (NM_001018837.2); short protein forms R187G, R235G.
Identifiers: ClinVar variation 3856874 (VCV003856874.1).
Genomic context (GRCh38, chr1:154,275,432, plus strand): 5'-GGTGGGGACTTCTCTTTGTAGATAGTGGAGGAGCGCCGGACTGTGGTGGACAGTGAGGGC[C>G]GGACAGAGACTACAGTAACCCGACACGAAGCAGATAGCAGTCCTAGGGGTGGTAAGTTAA-3'
Protein context (NP_006109.2, residues 225-245): ERRTVVDSEG[Arg235Gly]TETTVTRHEA